The following is an entry in ClinVar:

ClinVar aggregate classification (germline): Uncertain significance (1 of 4 stars; one submission).

Allele frequency attached by ClinVar (database versions not stated): TOPMed 0.00001.
gnomAD v4.1: 1 of 1,612,694 alleles (0.000062%); no homozygotes.

Submission:

Labcorp Genetics (formerly Invitae), Labcorp
Classification: Uncertain significance. Last evaluated: 2022-05-31. Review status: criteria provided, single submitter. Criteria: Invitae Variant Classification Sherloc (09022015). Collection method: clinical testing. Allele origin: germline.
Comment: This variant has not been reported in the literature in individuals affected with MME-related conditions. In summary, the available evidence is currently insufficient to determine the role of this variant in disease. Therefore, it has been classified as a Variant of Uncertain Significance. Algorithms developed to predict the effect of missense changes on protein structure and function output the following: SIFT: "Tolerated"; PolyPhen-2: "Benign"; Align-GVGD: "Class C0". The isoleucine amino acid residue is found in multiple mammalian species, which suggests that this missense change does not adversely affect protein function. This variant is not present in population databases (gnomAD no frequency). This sequence change replaces valine, which is neutral and non-polar, with isoleucine, which is neutral and non-polar, at codon 131 of the MME protein (p.Val131Ile).

NM_007289.4(MME):c.391G>A (p.Val131Ile)

Gene: MME (membrane metalloendopeptidase; plus strand). Cytogenetic location: 3q25.2.
Variant type: single nucleotide variant.
Coding change: c.391G>A on transcript NM_007289.4 (MANE Select); coding-DNA position 391, G replaced by A.
Protein change: p.Val131Ile; replaces valine 131 with isoleucine.
Molecular consequence: missense variant.
Genome position (GRCh38, 1-based): chr3:155,116,511, G>A. VCF-style: chr3-155116511-G-A. GRCh37 (hg19) VCF-style: chr3-154834300-G-A.
Other names: c.391G>A, p.Val131Ile (NM_000902.5, NM_001354642.2, NM_001354643.1 and 2 more transcripts); short protein forms V131I.
Identifiers: ClinVar variation 1921824 (VCV001921824.4), dbSNP rs372337211, ClinGen allele CA85808081.